The following is an entry in ClinVar:

ClinVar aggregate classification (germline): Uncertain significance. Review status: criteria provided, multiple submitters, no conflicts (2 of 4 stars). 3 submissions from 3 submitters: Uncertain significance (3). Last evaluated 2025-12-15.

Conditions:
Rienhoff syndrome. Also called: LOEYS-DIETZ SYNDROME 5. Identifiers: MedGen C3810012, MONDO:0014262, OMIM 615582.
Familial thoracic aortic aneurysm and aortic dissection (TAAD). Also called: Thoracic aortic aneurysms and dissections. Identifiers: Orphanet 91387, MedGen C4707243, MONDO:0019625.

Allele frequency attached by ClinVar (database versions not stated): gnomAD exomes below 0.00001; ExAC 0.00001; gnomAD 0.00001.
gnomAD v4.1: 5 of 1,611,954 alleles (0.00031%); no homozygotes.

Submissions (3):

Labcorp Genetics (formerly Invitae), Labcorp
Classification: Uncertain significance for Rienhoff syndrome. Last evaluated: 2025-12-15. Review status: criteria provided, single submitter. Criteria: Invitae Variant Classification Sherloc (09022015). Collection method: clinical testing. Allele origin: germline.
Comment: This sequence change replaces lysine, which is basic and polar, with arginine, which is basic and polar, at codon 251 of the TGFB3 protein (p.Lys251Arg). This variant is present in population databases (rs755309898, gnomAD 0.004%). This variant has not been reported in the literature in individuals affected with TGFB3-related conditions. ClinVar contains an entry for this variant (Variation ID: 1305133). An algorithm developed to predict the effect of missense changes on protein structure and function (PolyPhen-2) suggests that this variant is likely to be tolerated. In summary, the available evidence is currently insufficient to determine the role of this variant in disease. Therefore, it has been classified as a Variant of Uncertain Significance.

Ambry Genetics
Classification: Uncertain significance for Familial thoracic aortic aneurysm and aortic dissection. Last evaluated: 2024-08-28. Review status: criteria provided, single submitter. Criteria: Ambry Variant Classification Scheme 2023. Collection method: clinical testing. Allele origin: germline.
Comment: The p.K251R variant (also known as c.752A>G), located in coding exon 4 of the TGFB3 gene, results from an A to G substitution at nucleotide position 752. The lysine at codon 251 is replaced by arginine, an amino acid with highly similar properties. This amino acid position is conserved. In addition, this alteration is predicted to be tolerated by in silico analysis. Based on the available evidence, the clinical significance of this variant remains unclear.

GeneDx
Classification: Uncertain significance. Last evaluated: 2019-04-15. Review status: criteria provided, single submitter. Criteria: GeneDx Variant Classification Process June 2021. Collection method: clinical testing. Allele origin: germline. Affected: yes.
Comment: Has not been previously published as pathogenic or benign to our knowledge; Not observed at a significant frequency in large population cohorts (Lek et al., 2016); In silico analysis, which includes protein predictors and evolutionary conservation, supports that this variant does not alter protein structure/function

NM_003239.5(TGFB3):c.752A>G (p.Lys251Arg)

Gene: TGFB3 (transforming growth factor beta 3; minus strand). Cytogenetic location: 14q24.3.
Variant type: single nucleotide variant.
Coding change: c.752A>G on transcript NM_003239.5 (MANE Select); coding-DNA position 752, A replaced by G.
Protein change: p.Lys251Arg; replaces lysine 251 with arginine.
Molecular consequence: missense variant.
Genome position (GRCh38, 1-based): chr14:75,965,590, T>C on the plus strand (A>G on the coding strand, the complement: TGFB3 is on the minus strand). VCF-style: chr14-75965590-T-C. GRCh37 (hg19) VCF-style: chr14-76431933-T-C.
Other names: c.752A>G, p.Lys251Arg (NM_001329938.2, NM_001329939.2); short protein forms K251R.
Identifiers: ClinVar variation 1305133 (VCV001305133.5), dbSNP rs755309898, ClinGen allele CA7280368.